The following is an entry in ClinVar:

NM_001370658.1(BTD):c.206del (p.Asn69fs)

Gene: BTD (biotinidase; plus strand). Cytogenetic location: 3p25.1.
Variant type: Deletion.
Coding change: c.206del on transcript NM_001370658.1 (MANE Select); coding-DNA position 206, one base deleted (A; older notation c.206delA).
Protein change: p.Asn69fs; shifts the reading frame from asparagine 69.
Molecular consequence: frameshift variant.
Genome position (GRCh38, 1-based): chr3:15,635,645, A deleted; the last of 2 consecutive A bases (chr3:15,635,644-15,635,645); deleting either gives the same sequence. VCF-style (leftmost placement, unchanged base first): chr3-15635643-GA-G. GRCh37 (hg19) VCF-style: chr3-15677150-GA-G.
Other names: c.206del, p.Asn69fs (NM_001281723.4, NM_001281724.3, NM_001281725.3 and 37 more transcripts); short protein forms N69fs.
Identifiers: ClinVar variation 419267 (VCV000419267.3), dbSNP rs1064793757, ClinGen allele CA16617839.

ClinVar aggregate classification (germline): Pathogenic (1 of 4 stars; one submission).

Submission:

GeneDx
Classification: Pathogenic. Last evaluated: 2015-06-12. Review status: criteria provided, single submitter. Criteria: GeneDx Variant Classification (06012015). Collection method: clinical testing. Allele origin: germline. Affected: yes.
Comment: The c.266delA deletion in the BTD gene causes a frameshift starting with codon Asparagine 89,changes this amino acid to a Threonine residue and creates a premature Stop codon at position 9 of thenew reading frame, denoted p.Asn89ThrfsX9. This deletion is predicted to cause loss of normal proteinfunction either through protein truncation or nonsense-mediated mRNA decay. Although this variant hasnot been previously reported to our knowledge, it is expected to be a pathogenic.